The following is an entry in ClinVar:

NM_015271.5(TRIM2):c.163G>C (p.Glu55Gln)

Gene: TRIM2 (tripartite motif containing 2; plus strand). Cytogenetic location: 4q31.3.
Variant type: single nucleotide variant.
Coding change: c.163G>C on transcript NM_015271.5 (MANE Select); coding-DNA position 163, G replaced by C.
Protein change: p.Glu55Gln; replaces glutamic acid 55 with glutamine.
Molecular consequence: missense variant. On other transcripts: 5 prime UTR variant (3), intron variant (1).
Genome position (GRCh38, 1-based): chr4:153,270,467, G>C. VCF-style: chr4-153270467-G-C. GRCh37 (hg19) VCF-style: chr4-154191619-G-C.
Other names: c.163G>C, p.Glu55Gln (NM_001375488.1, NM_001375490.1, NM_001375519.1 and 1 more transcripts); c.160G>C, p.Glu54Gln (NM_001375489.1, NM_001375520.1, NM_001375491.1 and 1 more transcripts); c.-127G>C (NM_001375522.1, NM_001375523.1); c.82G>C, p.Glu28Gln (NM_001375512.1, NM_001375513.1, NM_001375514.1 and 5 more transcripts); c.-124-5426G>C (NM_001375525.1); c.136G>C, p.Glu46Gln (NM_001302694.2, NM_001351054.2); c.133G>C, p.Glu45Gln (NM_001351055.2); c.-395G>C (NM_001351057.2); short protein forms E28Q, E45Q, E46Q, E54Q, E55Q.
Identifiers: ClinVar variation 3676961 (VCV003676961.2).

ClinVar aggregate classification (germline): Uncertain significance (1 of 4 stars; one submission).

Conditions:
Charcot-Marie-Tooth disease type 2R. Also called: Charcot-Marie-Tooth disease, axonal, type 2R; CHARCOT-MARIE-TOOTH DISEASE, AXONAL, AUTOSOMAL RECESSIVE, TYPE 2R; CHARCOT-MARIE-TOOTH NEUROPATHY, TYPE 2R. Identifiers: Orphanet 397968, MedGen C3809655, MONDO:0014208, OMIM 615490.

gnomAD v4.1: 15 of 1,613,600 alleles (0.00093%); highest among the groups gnomAD compares: Admixed American, 0.0033%; no homozygotes.

Submission:

Labcorp Genetics (formerly Invitae), Labcorp
Classification: Uncertain significance for Charcot-Marie-Tooth disease type 2R. Last evaluated: 2024-04-25. Review status: criteria provided, single submitter. Criteria: Invitae Variant Classification Sherloc (09022015). Collection method: clinical testing. Allele origin: germline.
Comment: This sequence change replaces glutamic acid, which is acidic and polar, with glutamine, which is neutral and polar, at codon 28 of the TRIM2 protein (p.Glu28Gln). This variant is present in population databases (no rsID available, gnomAD no frequency). This variant has not been reported in the literature in individuals affected with TRIM2-related conditions. An algorithm developed to predict the effect of missense changes on protein structure and function (PolyPhen-2) suggests that this variant is likely to be disruptive. In summary, the available evidence is currently insufficient to determine the role of this variant in disease. Therefore, it has been classified as a Variant of Uncertain Significance.